The following is an entry in ClinVar:

ClinVar aggregate classification (germline): Pathogenic (1 of 4 stars; one submission).

Submission:

GeneDx
Classification: Pathogenic. Last evaluated: 2016-11-18. Review status: criteria provided, single submitter. Criteria: GeneDx Variant Classification (06012015). Collection method: clinical testing. Allele origin: germline. Affected: yes.
Comment: The c.220delG variant in the IKBKG gene has been reported previously in association with incontinentia pigmenti (IP; Aradhya et al., 2001). The deletion causes a frameshift starting with codon Glutamic Acid 74, changes this amino acid to a Serine residue and creates a premature Stop codon at position 41 of the new reading frame, denoted p.Glu74SerfsX41. This variant is predicted to cause loss of normal protein function either through protein truncation or nonsense-mediated mRNA decay.

NM_001099857.5(IKBKG):c.220del (p.Glu74fs)

Gene: IKBKG (inhibitor of nuclear factor kappa B kinase regulatory subunit gamma; plus strand). Cytogenetic location: Xq28.
Variant type: Deletion.
Coding change: c.220del on transcript NM_001099857.5 (MANE Select); coding-DNA position 220, one base deleted (G; older notation c.220delG).
Protein change: p.Glu74fs; shifts the reading frame from glutamic acid 74.
Molecular consequence: frameshift variant. On other transcripts: non-coding transcript variant (1).
Genome position (GRCh38, 1-based): chrX:154,556,197, G deleted; the last of 3 consecutive G bases (chrX:154,556,195-154,556,197); deleting any one gives the same sequence. VCF-style (leftmost placement, unchanged base first): chrX-154556194-CG-C. GRCh37 (hg19) VCF-style: chrX-153784409-CG-C.
Other names: c.424del, p.Glu142fs (NM_001099856.6); c.220del, p.Glu74fs (NM_001145255.4, NM_001321396.3, NM_001321397.3 and 5 more transcripts); short protein forms E74fs, E142fs.
Identifiers: ClinVar variation 372591 (VCV000372591.2), dbSNP rs1057517874, ClinGen allele CA16043194.